The following is an entry in ClinVar:

ClinVar aggregate classification (germline): Conflicting classifications of pathogenicity. Review status: criteria provided, conflicting classifications (1 of 4 stars). 5 submissions from 5 submitters: Likely pathogenic (4); Uncertain significance (1). Last evaluated 2025-07-24.

Conditions:
Familial hypocalciuric hypercalcemia (FHH). Also called: Familial benign hypercalcemia. Identifiers: Orphanet 405, MedGen C1809471, MONDO:0018458.
Neonatal severe primary hyperparathyroidism. Identifiers: Orphanet 417, MedGen C1832615, MONDO:0009397, OMIM 239200.
Autosomal dominant hypocalcemia 1 (HYPOC1). Also called: HYPOCALCEMIA, FAMILIAL. Identifiers: MedGen C3715128, MONDO:0011013, OMIM 601198.

Allele frequency attached by ClinVar (database versions not stated): gnomAD exomes below 0.00001.
gnomAD v4.1: 1 of 1,614,172 alleles (0.000062%); highest among the groups gnomAD compares: Non-Finnish European, 0.000085%; no homozygotes.

Submissions (5):

Women's Health and Genetics/Laboratory Corporation of America, LabCorp
Classification: Likely pathogenic for Familial hypocalciuric hypercalcemia. Last evaluated: 2025-07-24. Review status: criteria provided, single submitter. Criteria: LabCorp Variant Classification Summary - May 2015. Collection method: clinical testing. Allele origin: germline.
Comment: Variant summary: CASR c.101T>C (p.Leu34Pro) results in a non-conservative amino acid change in the encoded protein sequence. Algorithms developed to predict the effect of missense changes on protein structure and function all suggest that this variant is likely to be disruptive. The variant was absent in 251308 control chromosomes. c.101T>C has been observed in compound heterozygous individuals affected with Familial Hypocalciuric Hypercalcemia (Ward_2024, Lunk_2023, Rosettenstein_2024). These data indicate that the variant may be associated with disease. At least one publication reports experimental evidence evaluating an impact on protein function (Ward_2024). The most pronounced variant effect results in significantly reduced protein expression, lack of dimer formation and no response to calcium stimulation. The following publications have been ascertained in the context of this evaluation (PMID: 37291213, 39129820, 38343604). ClinVar contains an entry for this variant (Variation ID: 585617). Based on the evidence outlined above, the variant was classified as likely pathogenic.

Labcorp Genetics (formerly Invitae), Labcorp
Classification: Likely pathogenic for Familial hypocalciuric hypercalcemia; Autosomal dominant hypocalcemia 1. Last evaluated: 2024-08-28. Review status: criteria provided, single submitter. Criteria: Invitae Variant Classification Sherloc (09022015). Collection method: clinical testing. Allele origin: germline.
Comment: This sequence change replaces leucine, which is neutral and non-polar, with proline, which is neutral and non-polar, at codon 34 of the CASR protein (p.Leu34Pro). This variant is not present in population databases (gnomAD no frequency). This missense change has been observed in individual(s) with clinical features of familial hypocalciuric hypercalcemia and/or hyperparathyroidism (internal data). Invitae Evidence Modeling of clinical and family history, age, sex, and reported ancestry of multiple individuals with this CASR variant has been performed. This variant is expected to be pathogenic with a positive predictive value of at least 99%. This is a validated machine learning model that incorporates the clinical features of 606,512 individuals referred to our laboratory for CASR testing. ClinVar contains an entry for this variant (Variation ID: 585617). An algorithm developed to predict the effect of missense changes on protein structure and function (PolyPhen-2) suggests that this variant is likely to be disruptive. In summary, the currently available evidence indicates that the variant is pathogenic, but additional data are needed to prove that conclusively. Therefore, this variant has been classified as Likely Pathogenic.

CeGaT Center for Human Genetics Tuebingen
Classification: Likely pathogenic. Last evaluated: 2023-10-01. Review status: criteria provided, single submitter. Criteria: CeGaT Center For Human Genetics Tuebingen Variant Classification Criteria Version 2. Collection method: clinical testing. Allele origin: germline. Affected: yes. Observed: 1 variant allele.
Comment: CASR: PM1, PM2, PP3, PP4

Victorian Clinical Genetics Services, Murdoch Childrens Research Institute
Classification: Likely pathogenic for Neonatal severe primary hyperparathyroidism. Last evaluated: 2021-05-06. Review status: criteria provided, single submitter. Criteria: ACMG Guidelines, 2015. Collection method: clinical testing. Allele origin: germline. Inheritance: Autosomal recessive inheritance. Affected: yes.
Comment: Based on the classification scheme VCGS_Germline_v1.3.4, this variant is classified as Likely pathogenic. Following criteria are met: 0103 - Dominant negative, loss of function and gain of function are known mechanisms of disease in this gene and are associated with CASR-related disease (OMIM). Truncating variants predicted to undergo nonsense-mediated decay, and missense variants with either a dominant negative or loss of function effect on protein function, have been reported to cause hypocalciuric hypercalcemia, type I (MIM#145980), and neonatal hyperparathyroidism (MIM#239200). Missense variants that have a gain of function effect on protein activity, have been reported to cause hypocalcemia, with or without Barrter syndrome (MIM#601198) (OMIM, PMID: 22422767, PMID: 26646938, PMID: 16649980). (I) 0108 - This gene is associated with both recessive and dominant disease. Recessive disease is caused by biallelic loss of function variants, and results in neonatal hyperparathyroidism (MIM#239200) (OMIM, PMID: 22422767, PMID: 26646938). (I) 0115 - Variants in this gene are known to have variable expressivity. Members of the same family have been reported to exhibit either hypercalcemia, hypocalciuric or hypercalciuric (OMIM). (I) 0200 - Variant is predicted to result in a missense amino acid change from leucine to proline. (I) 0251 - This variant is heterozygous. (I) 0301 - Variant is absent from gnomAD (both v2 and v3). (SP) 0501 - Missense variant consistently predicted to be damaging by multiple in silico tools or highly conserved with a major amino acid change. (SP) 0600 - Variant is located in the annotated ligand binding domain (NCBI, PDB). (I) 0705 - No comparable missense variants have previous evidence for pathogenicity. (I) 0809 - Previous evidence of pathogenicity for this variant is inconclusive. This variant has been reported twice as a VUS (ClinVar). (I) 0905 - No published segregation evidence has been identified for this variant. (I) 1007 - No published functional evidence has been identified for this variant. (I) 1101 - Very strong and specific phenotype match for this individual. (SP) 1201 - Heterozygous variant detected in trans with a second likely pathogenic heterozygous variant (p.(Asn64Asp)) in a recessive disease. (I) Legend: (SP) - Supporting pathogenic, (I) - Information, (SB) - Supporting benign

Athena Diagnostics
Classification: Uncertain significance. Last evaluated: 2018-02-06. Review status: criteria provided, single submitter. Criteria: Athena Diagnostics Criteria. Collection method: clinical testing. Allele origin: germline.

Literature cited by the submitters: PubMed 37291213 (cited by Women's Health and Genetics/Laboratory Corporation of America, LabCorp); PubMed 39129820 (cited by Women's Health and Genetics/Laboratory Corporation of America, LabCorp); PubMed 38343604 (cited by Women's Health and Genetics/Laboratory Corporation of America, LabCorp); PubMed 16649980 (cited by Victorian Clinical Genetics Services, Murdoch Childrens Research Institute); PubMed 22422767 (cited by Victorian Clinical Genetics Services, Murdoch Childrens Research Institute); PubMed 26646938 (cited by Victorian Clinical Genetics Services, Murdoch Childrens Research Institute).

NM_000388.4(CASR):c.101T>C (p.Leu34Pro)

Gene: CASR (calcium sensing receptor; plus strand). Cytogenetic location: 3q21.1.
Variant type: single nucleotide variant.
Coding change: c.101T>C on transcript NM_000388.4 (MANE Select); coding-DNA position 101, T replaced by C.
Protein change: p.Leu34Pro; replaces leucine 34 with proline.
Molecular consequence: missense variant.
Genome position (GRCh38, 1-based): chr3:122,254,290, T>C. VCF-style: chr3-122254290-T-C. GRCh37 (hg19) VCF-style: chr3-121973137-T-C.
Other names: c.101T>C, p.Leu34Pro (NM_001178065.2); short protein forms L34P.
Identifiers: ClinVar variation 585617 (VCV000585617.37), dbSNP rs1559955362, ClinGen allele CA354362134.